The following is an entry in ClinVar:

ClinVar aggregate classification (germline): Uncertain significance (1 of 4 stars; one submission).

Allele frequency attached by ClinVar (database versions not stated): gnomAD exomes below 0.00001.
gnomAD v4.1: 1 of 1,614,062 alleles (0.000062%); highest among the groups gnomAD compares: South Asian, 0.0011%; no homozygotes.

Submission:

GeneDx
Classification: Uncertain significance. Last evaluated: 2021-05-28. Review status: criteria provided, single submitter. Criteria: GeneDx Variant Classification Process June 2021. Collection method: clinical testing. Allele origin: germline. Affected: yes.
Comment: Not observed at significant frequency in large population cohorts (Lek et al., 2016); In silico analysis supports that this missense variant has a deleterious effect on protein structure/function; Has not been previously published as pathogenic or benign to our knowledge; This variant is associated with the following publications: (PMID: 27535533)

NM_014159.7(SETD2):c.2909T>G (p.Leu970Trp)

Gene: SETD2 (SET domain containing 2, histone lysine methyltransferase; minus strand). Cytogenetic location: 3p21.31.
Variant type: single nucleotide variant.
Coding change: c.2909T>G on transcript NM_014159.7 (MANE Select); coding-DNA position 2909, T replaced by G.
Protein change: p.Leu970Trp; replaces leucine 970 with tryptophan.
Molecular consequence: missense variant. On other transcripts: non-coding transcript variant (1).
Genome position (GRCh38, 1-based): chr3:47,121,727, A>C on the plus strand (T>G on the coding strand, the complement: SETD2 is on the minus strand). VCF-style: chr3-47121727-A-C. GRCh37 (hg19) VCF-style: chr3-47163217-A-C.
Other names: c.2777T>G, p.Leu926Trp (NM_001349370.3); short protein forms L926W, L970W.
Identifiers: ClinVar variation 1326499 (VCV001326499.2), dbSNP rs2106659081, ClinGen allele CA352524588.